The following is an entry in ClinVar:

NM_000179.3(MSH6):c.2984A>G (p.Glu995Gly)

Gene: MSH6 (mutS homolog 6; plus strand). Cytogenetic location: 2p16.3.
Variant type: single nucleotide variant.
Coding change: c.2984A>G on transcript NM_000179.3 (MANE Select); coding-DNA position 2984, A replaced by G.
Protein change: p.Glu995Gly; replaces glutamic acid 995 with glycine.
Molecular consequence: missense variant.
Genome position (GRCh38, 1-based): chr2:47,800,967, A>G. VCF-style: chr2-47800967-A-G. GRCh37 (hg19) VCF-style: chr2-48028106-A-G.
Other names: c.2594A>G, p.Glu865Gly (NM_001281492.2); c.2078A>G, p.Glu693Gly (NM_001281493.2, NM_001281494.2, NM_001406811.1 and 6 more transcripts); c.3080A>G, p.Glu1027Gly (NM_001406795.1, NM_001406802.1); c.2984A>G, p.Glu995Gly (NM_001406796.1, NM_001406798.1, NM_001406800.1 and 2 more transcripts); c.2687A>G, p.Glu896Gly (NM_001406797.1, NM_001406801.1, NM_001406805.1 and 10 more transcripts); c.2459A>G, p.Glu820Gly (NM_001406799.1, NM_001406806.1, NM_001406807.1); c.2906A>G, p.Glu969Gly (NM_001406804.1); c.2990A>G, p.Glu997Gly (NM_001406813.1); and 2 more; short protein forms E693G, E865G, E896G, E995G, E997G, E310G, E939G, E1027G.
Identifiers: ClinVar variation 1798423 (VCV001798423.4), dbSNP rs1572729560, ClinGen allele CA346756365.

ClinVar aggregate classification (germline): Uncertain significance. Review status: criteria provided, multiple submitters, no conflicts (2 of 4 stars). 2 submissions from 2 submitters: Uncertain significance (2). Last evaluated 2024-06-25.

Conditions:
Hereditary nonpolyposis colorectal neoplasms. Identifiers: MedGen C0009405, MeSH D003123.
Hereditary cancer-predisposing syndrome. Also called: Neoplastic Syndromes, Hereditary; Tumor predisposition; Hereditary Cancer Syndrome; Hereditary neoplastic syndrome. Identifiers: Orphanet 140162, MedGen C0027672, MeSH D009386, MONDO:0015356.

Submissions (2):

Labcorp Genetics (formerly Invitae), Labcorp
Classification: Uncertain significance for Hereditary nonpolyposis colorectal neoplasms. Last evaluated: 2024-06-25. Review status: criteria provided, single submitter. Criteria: Invitae Variant Classification Sherloc (09022015). Collection method: clinical testing. Allele origin: germline.
Comment: This sequence change replaces glutamic acid, which is acidic and polar, with glycine, which is neutral and non-polar, at codon 995 of the MSH6 protein (p.Glu995Gly). This variant is not present in population databases (gnomAD no frequency). This variant has not been reported in the literature in individuals affected with MSH6-related conditions. ClinVar contains an entry for this variant (Variation ID: 1798423). Advanced modeling of protein sequence and biophysical properties (such as structural, functional, and spatial information, amino acid conservation, physicochemical variation, residue mobility, and thermodynamic stability) performed at Invitae indicates that this missense variant is not expected to disrupt MSH6 protein function with a negative predictive value of 95%. In summary, the available evidence is currently insufficient to determine the role of this variant in disease. Therefore, it has been classified as a Variant of Uncertain Significance.

Ambry Genetics
Classification: Uncertain significance for Hereditary cancer-predisposing syndrome. Last evaluated: 2022-05-04. Review status: criteria provided, single submitter. Criteria: Ambry Variant Classification Scheme 2023. Collection method: clinical testing. Allele origin: germline.
Comment: The p.E995G variant (also known as c.2984A>G), located in coding exon 4 of the MSH6 gene, results from an A to G substitution at nucleotide position 2984. The glutamic acid at codon 995 is replaced by glycine, an amino acid with similar properties. This amino acid position is conserved. In addition, this alteration is predicted to be deleterious by in silico analysis. Since supporting evidence is limited at this time, the clinical significance of this alteration remains unclear.